The following is an entry in ClinVar:

NM_177438.3(DICER1):c.558T>C (p.Tyr186=)

Gene: DICER1 (dicer 1, ribonuclease III; minus strand). Cytogenetic location: 14q32.13.
Variant type: single nucleotide variant.
Coding change: c.558T>C on transcript NM_177438.3 (MANE Select); coding-DNA position 558, T replaced by C.
Protein change: p.Tyr186=; no amino-acid change (tyrosine 186 retained).
Molecular consequence: synonymous variant.
Genome position (GRCh38, 1-based): chr14:95,130,073, A>G on the plus strand (T>C on the coding strand, the complement: DICER1 is on the minus strand). VCF-style: chr14-95130073-A-G. GRCh37 (hg19) VCF-style: chr14-95596410-A-G.
Other names: c.558T>C, p.Tyr186= (NM_001195573.1, NM_001271282.3, NM_001291628.2 and 1 more transcripts).
Identifiers: ClinVar variation 1666494 (VCV001666494.12), dbSNP rs1427972420, ClinGen allele CA487633889.
Genomic context (GRCh38, chr14:95,130,073, plus strand): 5'-TCAATAGTTTACCAAGAATTACTAAGACTTAGGTCTAAAACTTACCTTCATAATTTCTCG[A>G]TAGGGGTGGTCTAGGATTGCAAGATGACACTCATCAAACACCAAAAGGTTAATGTCTGAC-3'
Protein context (NP_803187.1, residues 176-196): ECHLAILDHP[Tyr186=]REIMKLCENC

ClinVar aggregate classification (germline): Benign/Likely benign. Review status: criteria provided, multiple submitters, no conflicts (2 of 4 stars). 3 submissions from 3 submitters: Benign (1); Likely benign (2). Last evaluated 2026-08-19.

Conditions:
DICER1-related tumor predisposition. Also called: DICER1-related pleuropulmonary blastoma cancer predisposition syndrome; DICER1 syndrome. Identifiers: Orphanet 284343, MedGen C3839822, MONDO:0100216.
Hereditary cancer-predisposing syndrome. Also called: Neoplastic Syndromes, Hereditary; Tumor predisposition; Hereditary Cancer Syndrome; Hereditary neoplastic syndrome. Identifiers: Orphanet 140162, MedGen C0027672, MeSH D009386, MONDO:0015356.

Allele frequency attached by ClinVar (database versions not stated): gnomAD exomes below 0.00001; TOPMed below 0.00001.

Submissions (3):

Myriad Genetics, Inc.
Classification: Benign for DICER1-related tumor predisposition. Last evaluated: 2026-08-19. Review status: criteria provided, single submitter. Criteria: Myriad Autosomal Dominant, Autosomal Recessive and X-Linked Classification Criteria (2023). Collection method: clinical testing. Allele origin: unknown.
Comment: This variant is considered benign. This variant is a silent/synonymous amino acid change and it is not expected to impact splicing.

Labcorp Genetics (formerly Invitae), Labcorp
Classification: Likely benign for DICER1-related tumor predisposition. Last evaluated: 2025-11-22. Review status: criteria provided, single submitter. Criteria: Invitae Variant Classification Sherloc (09022015). Collection method: clinical testing. Allele origin: germline.

Ambry Genetics
Classification: Likely benign for Hereditary cancer-predisposing syndrome. Last evaluated: 2020-01-10. Review status: criteria provided, single submitter. Criteria: Ambry Variant Classification Scheme 2023. Collection method: clinical testing. Allele origin: germline.